The following is an entry in ClinVar:

NM_001369.3(DNAH5):c.12197T>C (p.Leu4066Ser)

Gene: DNAH5 (dynein axonemal heavy chain 5; minus strand). Cytogenetic location: 5p15.2.
Variant type: single nucleotide variant.
Coding change: c.12197T>C on transcript NM_001369.3 (MANE Select); coding-DNA position 12197, T replaced by C.
Protein change: p.Leu4066Ser; replaces leucine 4066 with serine.
Molecular consequence: missense variant.
Genome position (GRCh38, 1-based): chr5:13,721,082, A>G on the plus strand (T>C on the coding strand, the complement: DNAH5 is on the minus strand). VCF-style: chr5-13721082-A-G. GRCh37 (hg19) VCF-style: chr5-13721191-A-G.
Other names: short protein forms L4066S.
Identifiers: ClinVar variation 2161397 (VCV002161397.1), dbSNP rs1744991255, ClinGen allele CA359213830.

ClinVar aggregate classification (germline): Uncertain significance (1 of 4 stars; one submission).

Conditions:
Primary ciliary dyskinesia. Also called: Ciliary dyskinesia. Identifiers: Orphanet 244, MedGen C0008780, MONDO:0016575, HP:0012265.

Allele frequency attached by ClinVar (database versions not stated): TOPMed below 0.00001.

Submission:

Labcorp Genetics (formerly Invitae), Labcorp
Classification: Uncertain significance for Primary ciliary dyskinesia. Last evaluated: 2022-09-13. Review status: criteria provided, single submitter. Criteria: Invitae Variant Classification Sherloc (09022015). Collection method: clinical testing. Allele origin: germline.
Comment: This sequence change replaces leucine, which is neutral and non-polar, with serine, which is neutral and polar, at codon 4066 of the DNAH5 protein (p.Leu4066Ser). This variant is not present in population databases (gnomAD no frequency). This variant has not been reported in the literature in individuals affected with DNAH5-related conditions. Advanced modeling of protein sequence and biophysical properties (such as structural, functional, and spatial information, amino acid conservation, physicochemical variation, residue mobility, and thermodynamic stability) performed at Invitae indicates that this missense variant is not expected to disrupt DNAH5 protein function. In summary, the available evidence is currently insufficient to determine the role of this variant in disease. Therefore, it has been classified as a Variant of Uncertain Significance.